The following is an entry in ClinVar:

ClinVar aggregate classification (germline): Uncertain significance (1 of 4 stars; one submission).

Submission:

Labcorp Genetics (formerly Invitae), Labcorp
Classification: Uncertain significance. Last evaluated: 2024-11-18. Review status: criteria provided, single submitter. Criteria: Invitae Variant Classification Sherloc (09022015). Collection method: clinical testing. Allele origin: germline.
Comment: This sequence change replaces glycine, which is neutral and non-polar, with serine, which is neutral and polar, at codon 13 of the TUBA1A protein (p.Gly13Ser). This variant is not present in population databases (gnomAD no frequency). This variant has not been reported in the literature in individuals affected with TUBA1A-related conditions. Invitae Evidence Modeling of protein sequence and biophysical properties (such as structural, functional, and spatial information, amino acid conservation, physicochemical variation, residue mobility, and thermodynamic stability) indicates that this missense variant is expected to disrupt TUBA1A protein function with a positive predictive value of 80%. In summary, the available evidence is currently insufficient to determine the role of this variant in disease. Therefore, it has been classified as a Variant of Uncertain Significance.

NM_006009.4(TUBA1A):c.37G>A (p.Gly13Ser)

Gene: TUBA1A (tubulin alpha 1a; minus strand). Cytogenetic location: 12q13.12.
Variant type: single nucleotide variant.
Coding change: c.37G>A on transcript NM_006009.4 (MANE Select); coding-DNA position 37, G replaced by A.
Protein change: p.Gly13Ser; replaces glycine 13 with serine.
Molecular consequence: missense variant. On other transcripts: 5 prime UTR variant (1).
Genome position (GRCh38, 1-based): chr12:49,186,800, C>T on the plus strand (G>A on the coding strand, the complement: TUBA1A is on the minus strand). VCF-style: chr12-49186800-C-T. GRCh37 (hg19) VCF-style: chr12-49580583-C-T.
Other names: c.37G>A, p.Gly13Ser (NM_001270399.2); c.-69G>A (NM_001270400.2); short protein forms G13S.
Identifiers: ClinVar variation 3685728 (VCV003685728.2).
Genomic context (GRCh38, chr12:49,186,800, plus strand): 5'-CGGGCTGGATGCCGTGTTCCAGGCAGTAGAGCTCCCAGCAGGCATTGCCAATCTGGACAC[C>T]AGCCTGGCCAACGTGGATGGAGATGCACTCACGCTGTGGGGAGGAAAAGTGAAAAAATCG-3'
Protein context (NP_006000.2, residues 3-23): ECISIHVGQA[Gly13Ser]VQIGNACWEL